The following is an entry in ClinVar:

NM_001182.5(ALDH7A1):c.1532A>G (p.Asp511Gly)

Gene: ALDH7A1 (aldehyde dehydrogenase 7 family member A1; minus strand). Cytogenetic location: 5q23.2.
Variant type: single nucleotide variant.
Coding change: c.1532A>G on transcript NM_001182.5 (MANE Select); coding-DNA position 1532, A replaced by G.
Protein change: p.Asp511Gly; replaces aspartic acid 511 with glycine.
Molecular consequence: missense variant.
Genome position (GRCh38, 1-based): chr5:126,546,357, T>C on the plus strand (A>G on the coding strand, the complement: ALDH7A1 is on the minus strand). VCF-style: chr5-126546357-T-C. GRCh37 (hg19) VCF-style: chr5-125882049-T-C.
Other names: c.1340A>G, p.Asp447Gly (NM_001202404.2); c.1448A>G, p.Asp483Gly (NM_001201377.2); short protein forms D447G, D483G, D511G.
Identifiers: ClinVar variation 842672 (VCV000842672.8), dbSNP rs1296767826, ClinGen allele CA360719133.

ClinVar aggregate classification (germline): Conflicting classifications of pathogenicity. Review status: criteria provided, conflicting classifications (1 of 4 stars). 2 submissions from 2 submitters: Likely pathogenic (1); Uncertain significance (1). Last evaluated 2025-06-03.

Conditions:
Pyridoxine-dependent epilepsy (EPEO4). Also called: Pyridoxine-Dependent Epilepsy - ALDH7A1; PYRIDOXINE DEPENDENCY WITH SEIZURES; Pyridoxine-Dependent Seizures; EPILEPSY, EARLY-ONSET, 4, VITAMIN B6-DEPENDENT. Identifiers: Orphanet 3006, MedGen C1849508, MONDO:0009945, OMIM 266100. Disease mechanism: loss of function.

Allele frequency attached by ClinVar (database versions not stated): gnomAD exomes below 0.00001.
gnomAD v4.1: 2 of 1,614,224 alleles (0.00012%); highest among the groups gnomAD compares: Admixed American, 0.0033%; no homozygotes.

Submissions (2):

Labcorp Genetics (formerly Invitae), Labcorp
Classification: Likely pathogenic for Pyridoxine-dependent epilepsy. Last evaluated: 2025-06-03. Review status: criteria provided, single submitter. Criteria: Invitae Variant Classification Sherloc (09022015). Collection method: clinical testing. Allele origin: germline.
Comment: This sequence change replaces aspartic acid, which is acidic and polar, with glycine, which is neutral and non-polar, at codon 511 of the ALDH7A1 protein (p.Asp511Gly). This variant is present in population databases (no rsID available, gnomAD 0.003%). This variant has not been reported in the literature in individuals affected with ALDH7A1-related conditions. ClinVar contains an entry for this variant (Variation ID: 842672). Invitae Evidence Modeling of protein sequence and biophysical properties (such as structural, functional, and spatial information, amino acid conservation, physicochemical variation, residue mobility, and thermodynamic stability) indicates that this missense variant is expected to disrupt ALDH7A1 protein function with a positive predictive value of 95%. This variant disrupts the p.Asp511 amino acid residue in ALDH7A1. Other variant(s) that disrupt this residue have been determined to be pathogenic (PMID: 26555630). This suggests that this residue is clinically significant, and that variants that disrupt this residue are likely to be disease-causing. In summary, the currently available evidence indicates that the variant is pathogenic, but additional data are needed to prove that conclusively. Therefore, this variant has been classified as Likely Pathogenic.

Blueprint Genetics
Classification: Uncertain significance. Last evaluated: 2022-09-06. Review status: criteria provided, single submitter. Criteria: ACMG Guidelines, 2015. Collection method: clinical testing. Allele origin: germline.

Literature cited by the submitters: PubMed 26555630 (cited by Labcorp Genetics (formerly Invitae), Labcorp).